The following is an entry in ClinVar:

NM_145290.4(ADGRA3):c.1924C>T (p.Arg642Cys)

Gene: ADGRA3 (adhesion G protein-coupled receptor A3; minus strand). Cytogenetic location: 4p15.2.
Variant type: single nucleotide variant.
Coding change: c.1924C>T on transcript NM_145290.4 (MANE Select); coding-DNA position 1924, C replaced by T.
Protein change: p.Arg642Cys; replaces arginine 642 with cysteine.
Molecular consequence: missense variant.
Genome position (GRCh38, 1-based): chr4:22,413,700, G>A on the plus strand (C>T on the coding strand, the complement: ADGRA3 is on the minus strand). VCF-style: chr4-22413700-G-A. GRCh37 (hg19) VCF-style: chr4-22415323-G-A.
Other names: short protein forms R642C.
Identifiers: ClinVar variation 961390 (VCV000961390.9), dbSNP rs146115905, ClinGen allele CA2873784.

ClinVar aggregate classification (germline): Uncertain significance (1 of 4 stars; one submission).

Allele frequency attached by ClinVar (database versions not stated): TOPMed 0.00011.
gnomAD v4.1: 31 of 1,613,546 alleles (0.0019%); highest among the groups gnomAD compares: African/African-American, 0.031%; no homozygotes.

Submission:

Labcorp Genetics (formerly Invitae), Labcorp
Classification: Uncertain significance. Last evaluated: 2026-01-14. Review status: criteria provided, single submitter. Criteria: Invitae Variant Classification Sherloc (09022015). Collection method: clinical testing. Allele origin: germline.
Comment: This sequence change replaces arginine, which is basic and polar, with cysteine, which is neutral and slightly polar, at codon 642 of the ADGRA3 protein (p.Arg642Cys). This variant is present in population databases (rs146115905, gnomAD 0.02%). This variant has not been reported in the literature in individuals affected with ADGRA3-related conditions. ClinVar contains an entry for this variant (Variation ID: 961390). An algorithm developed to predict the effect of missense changes on protein structure and function (PolyPhen-2) suggests that this variant is likely to be disruptive. In summary, the available evidence is currently insufficient to determine the role of this variant in disease. Therefore, it has been classified as a Variant of Uncertain Significance.